The following is an entry in ClinVar:

ClinVar aggregate classification (germline): Uncertain significance (1 of 4 stars; one submission).

Submission:

Labcorp Genetics (formerly Invitae), Labcorp
Classification: Uncertain significance. Last evaluated: 2022-11-10. Review status: criteria provided, single submitter. Criteria: Invitae Variant Classification Sherloc (09022015). Collection method: clinical testing. Allele origin: germline.
Comment: Advanced modeling of protein sequence and biophysical properties (such as structural, functional, and spatial information, amino acid conservation, physicochemical variation, residue mobility, and thermodynamic stability) has been performed at Invitae for this missense variant, however the output from this modeling did not meet the statistical confidence thresholds required to predict the impact of this variant on MYO7A protein function. This variant has not been reported in the literature in individuals affected with MYO7A-related conditions. In summary, the available evidence is currently insufficient to determine the role of this variant in disease. Therefore, it has been classified as a Variant of Uncertain Significance. This variant is not present in population databases (gnomAD no frequency). This sequence change replaces methionine, which is neutral and non-polar, with valine, which is neutral and non-polar, at codon 2190 of the MYO7A protein (p.Met2190Val).

NM_000260.4(MYO7A):c.6568A>G (p.Met2190Val)

Gene: MYO7A (myosin VIIA; plus strand). Cytogenetic location: 11q13.5.
Variant type: single nucleotide variant.
Coding change: c.6568A>G on transcript NM_000260.4 (MANE Select); coding-DNA position 6568, A replaced by G.
Protein change: p.Met2190Val; replaces methionine 2190 with valine.
Molecular consequence: missense variant.
Genome position (GRCh38, 1-based): chr11:77,214,616, A>G. VCF-style: chr11-77214616-A-G. GRCh37 (hg19) VCF-style: chr11-76925661-A-G.
Other names: c.6448A>G, p.Met2150Val (NM_001127180.2); c.6421A>G, p.Met2141Val (NM_001369365.1); short protein forms M2150V, M2190V, M2141V.
Identifiers: ClinVar variation 2881695 (VCV002881695.3), dbSNP rs1291533652, ClinGen allele CA381939131.